The following is an entry in ClinVar:

NM_000256.3(MYBPC3):c.3648G>T (p.Lys1216Asn)

Gene: MYBPC3 (myosin binding protein C3; minus strand). Cytogenetic location: 11p11.2.
Variant type: single nucleotide variant.
Coding change: c.3648G>T on transcript NM_000256.3 (MANE Select); coding-DNA position 3648, G replaced by T.
Protein change: p.Lys1216Asn; replaces lysine 1216 with asparagine.
Molecular consequence: missense variant.
Genome position (GRCh38, 1-based): chr11:47,332,238, C>A on the plus strand (G>T on the coding strand, the complement: MYBPC3 is on the minus strand). VCF-style: chr11-47332238-C-A. GRCh37 (hg19) VCF-style: chr11-47353789-C-A.
Other names: short protein forms K1216N.
Identifiers: ClinVar variation 2975582 (VCV002975582.3), dbSNP rs2495736642, ClinGen allele CA380311822.

ClinVar aggregate classification (germline): Uncertain significance (1 of 4 stars; one submission).

Conditions:
Hypertrophic cardiomyopathy. Also called: HYPERTROPHIC MYOCARDIOPATHY. Identifiers: Orphanet 217569, MedGen C0007194, MeSH D002312, MONDO:0005045, HP:0001639.

Submission:

Labcorp Genetics (formerly Invitae), Labcorp
Classification: Uncertain significance for Hypertrophic cardiomyopathy. Last evaluated: 2023-11-17. Review status: criteria provided, single submitter. Criteria: Invitae Variant Classification Sherloc (09022015). Collection method: clinical testing. Allele origin: germline.
Comment: This sequence change replaces lysine, which is basic and polar, with asparagine, which is neutral and polar, at codon 1216 of the MYBPC3 protein (p.Lys1216Asn). This variant is not present in population databases (gnomAD no frequency). This variant has not been reported in the literature in individuals affected with MYBPC3-related conditions. An algorithm developed to predict the effect of missense changes on protein structure and function (PolyPhen-2) suggests that this variant is likely to be disruptive. In summary, the available evidence is currently insufficient to determine the role of this variant in disease. Therefore, it has been classified as a Variant of Uncertain Significance.